The following is an entry in ClinVar:

ClinVar aggregate classification (germline): Uncertain significance (1 of 4 stars; one submission).

Conditions:
Hereditary cancer-predisposing syndrome. Also called: Tumor predisposition; Neoplastic Syndromes, Hereditary; Hereditary Cancer Syndrome; Hereditary neoplastic syndrome. Identifiers: Orphanet 140162, MedGen C0027672, MeSH D009386, MONDO:0015356.

Submission:

Ambry Genetics
Classification: Uncertain significance for Hereditary cancer-predisposing syndrome. Last evaluated: 2025-01-21. Review status: criteria provided, single submitter. Criteria: Ambry Variant Classification Scheme 2023. Collection method: clinical testing. Allele origin: germline.
Comment: The c.7697_7699delGAA variant (also known as p.R2566del) is located in coding exon 15 of the APC gene. This variant results from an in-frame GAA deletion at nucleotide positions 7697 to 7699. This results in the in-frame deletion of an arginine at codon 2566. This amino acid position is highly conserved in available vertebrate species. In addition, this alteration is predicted to be deleterious by in silico analysis (Choi Y et al. PLoS ONE. 2012; 7(10):e46688). Based on the available evidence, the clinical significance of this variant remains unclear.

NM_000038.6(APC):c.7694GAA[1] (p.Arg2566del)

Gene: APC (APC regulator of Wnt signaling pathway; plus strand). Cytogenetic location: 5q22.2.
Variant type: Microsatellite.
Coding change: c.7694GAA[1] on transcript NM_000038.6 (MANE Select); one copy of the 3-base unit GAA starting at c.7694; the reference has two copies in a row; one copy, 3 bases deleted.
Protein change: p.Arg2566del; deletes arginine 2566.
Molecular consequence: inframe deletion. On other transcripts: non-coding transcript variant (2).
Genome position (GRCh38, 1-based): chr5:112,843,291-112,843,293, GAA deleted; deleting any 3 consecutive bases within chr5:112,843,287-112,843,293 gives the same sequence; the position shown is the placement nearest the transcript's 3' end. VCF-style (leftmost placement, unchanged base first): chr5-112843286-GAGA-G. GRCh37 (hg19) VCF-style: chr5-112178983-GAGA-G.
Other names: c.7694GAA[1], p.Arg2566del (NM_001127510.3, NM_001354895.2, NM_001407450.1); c.7640GAA[1], p.Arg2548del (NM_001127511.3); c.7724GAA[1], p.Arg2576del (NM_001354897.2); c.7748GAA[1], p.Arg2584del (NM_001354896.2, NM_001407447.1, NM_001407448.1 and 1 more transcripts); c.7619GAA[1], p.Arg2541del (NM_001354898.2); c.7610GAA[1], p.Arg2538del (NM_001354899.2); c.7571GAA[1], p.Arg2525del (NM_001354900.2); c.7517GAA[1], p.Arg2507del (NM_001354901.2, NM_001407453.1); and 11 more; short protein forms R2182del, R2406del, R2440del, R2538del, R2541del, R2548del, R2556del, R2566del.
Identifiers: ClinVar variation 3881023 (VCV003881023.1).
Genomic context (GRCh38, chr5:112,843,286, plus strand): 5'-AGGAACCTGGAAACGTGAGCACAGCAAACATTCATCATCCCTTCCTCGAGTAAGCACTTG[GAGA>G]AGAACTGGAAGTTCATCTTCAATTCTTTCTGCTTCATCAGAATCCAGTGAAAAAGCAAAA-3'